The following is an entry in ClinVar:

ClinVar aggregate classification (germline): Benign/Likely benign. Review status: criteria provided, multiple submitters, no conflicts (2 of 4 stars). 3 submissions from 3 submitters: Benign (1); Likely benign (2). Last evaluated 2026-08-01.

Allele frequency attached by ClinVar (database versions not stated): gnomAD exomes 0.00036 and 0.00092; ExAC 0.00115; ESP Exome Variant Server 0.00374; gnomAD 0.00409 and 0.00433; TOPMed 0.00464; 1000 Genomes Project 0.00539; 1000 Genomes Project 30x 0.00547.
gnomAD v4.1: 1,194 of 1,610,612 alleles (0.074%); highest among the groups gnomAD compares: African/African-American, 1.4%; 12 homozygotes.

Submissions (3):

CeGaT Center for Human Genetics Tuebingen
Classification: Likely benign. Last evaluated: 2026-08-01. Review status: criteria provided, single submitter. Criteria: CeGaT Center For Human Genetics Tuebingen Variant Classification Criteria Version 2. Collection method: clinical testing. Allele origin: germline. Affected: yes. Observed: 2 variant alleles.
Comment: ATP8A2: BP4, BS1

Labcorp Genetics (formerly Invitae), Labcorp
Classification: Benign. Last evaluated: 2026-01-17. Review status: criteria provided, single submitter. Criteria: Invitae Variant Classification Sherloc (09022015). Collection method: clinical testing. Allele origin: germline.

Blueprint Genetics
Classification: Likely benign. Last evaluated: 2024-09-24. Review status: criteria provided, single submitter. Criteria: ACMG Guidelines, 2015. Collection method: clinical testing. Allele origin: germline.

NM_016529.6(ATP8A2):c.2559C>T (p.Ala853=)

Gene: ATP8A2 (ATPase phospholipid transporting 8A2). Cytogenetic location: 13q12.13.
Variant type: single nucleotide variant.
Coding change: c.2559C>T on transcript NM_016529.6 (MANE Select); coding-DNA position 2559, C replaced by T.
Protein change: p.Ala853=; no amino-acid change (alanine 853 retained).
Molecular consequence: synonymous variant.
Genome position (GRCh38, 1-based): chr13:25,769,220, C>T. VCF-style: chr13-25769220-C-T. GRCh37 (hg19) VCF-style: chr13-26343358-C-T.
Other names: c.2439C>T, p.Ala813= (NM_001313741.1).
Identifiers: ClinVar variation 1591448 (VCV001591448.16), dbSNP rs150468226, ClinGen allele CA6923356.